The following is an entry in ClinVar:

ClinVar aggregate classification (germline): Conflicting classifications of pathogenicity. Review status: criteria provided, conflicting classifications (1 of 4 stars). 2 submissions from 2 submitters: Uncertain significance (1); Likely benign (1). Last evaluated 2025-05-03.

Conditions:
Inborn genetic diseases. Identifiers: MedGen C0950123, MeSH D030342.

gnomAD v4.1: 11 of 1,211,425 alleles (0.00091%); highest among the groups gnomAD compares: East Asian, 0.003%; no homozygotes.

Submissions (2):

Ambry Genetics
Classification: Uncertain significance for Inborn genetic diseases. Last evaluated: 2025-05-03. Review status: criteria provided, single submitter. Criteria: Ambry Variant Classification Scheme 2023. Collection method: clinical testing. Allele origin: germline.

CeGaT Center for Human Genetics Tuebingen
Classification: Likely benign. Last evaluated: 2024-11-01. Review status: criteria provided, single submitter. Criteria: CeGaT Center For Human Genetics Tuebingen Variant Classification Criteria Version 2. Collection method: clinical testing. Allele origin: germline. Affected: yes. Observed: 1 variant allele.
Comment: STS: BS2

NM_001320752.2(STS):c.1152G>C (p.Gln384His)

Gene: STS (steroid sulfatase; plus strand). Cytogenetic location: Xp22.31.
Variant type: single nucleotide variant.
Coding change: c.1152G>C on transcript NM_001320752.2 (MANE Select); coding-DNA position 1152, G replaced by C.
Protein change: p.Gln384His; replaces glutamine 384 with histidine.
Molecular consequence: missense variant.
Genome position (GRCh38, 1-based): chrX:7,325,409, G>C. VCF-style: chrX-7325409-G-C. GRCh37 (hg19) VCF-style: chrX-7243450-G-C.
Other names: c.1152G>C, p.Gln384His (NM_000351.7, NM_001320753.2, NM_001320754.2); c.1188G>C, p.Gln396His (NM_001320750.3, NM_001320751.2); c.1167G>C (NM_000351.4); short protein forms Q384H, Q396H.
Identifiers: ClinVar variation 3388969 (VCV003388969.14).
Genomic context (GRCh38, chrX:7,325,409, plus strand): 5'-AAACAACTGGGAAGGAGGTATCCGGGTTCCAGGCATCCTTCGTTGGCCCAGGGTGATACA[G>C]GCTGGCCAGAAGATTGATGAGCCCACTAGCAACATGGACATATTTCCTACAGTAGCCAAG-3'
Protein context (NP_001307681.2, residues 374-394): PGILRWPRVI[Gln384His]AGQKIDEPTS